The following is an entry in ClinVar:

NM_003072.5(SMARCA4):c.1420-8T>C

Gene: SMARCA4 (SWI/SNF related BAF chromatin remodeling complex subunit ATPase 4; plus strand). Cytogenetic location: 19p13.2.
Variant type: single nucleotide variant.
Coding change: c.1420-8T>C on transcript NM_003072.5 (MANE Select); 8 bases into the intron before coding-DNA position 1420, T replaced by C.
Molecular consequence: intron variant.
Genome position (GRCh38, 1-based): chr19:10,994,820, T>C. VCF-style: chr19-10994820-T-C. GRCh37 (hg19) VCF-style: chr19-11105496-T-C.
Other names: c.1420-8T>C (NM_001387283.1, NM_001411150.1, NM_001374457.1 and 6 more transcripts).
Identifiers: ClinVar variation 5042169 (VCV005042169.1).

ClinVar aggregate classification (germline): Likely benign (1 of 4 stars; one submission).

Conditions:
Rhabdoid tumor predisposition syndrome 2 (RTPS2). Identifiers: Orphanet 231108, Orphanet 69077, MedGen C2750074, MONDO:0013224, OMIM 613325.

Submission:

Myriad Genetics, Inc.
Classification: Likely benign for Rhabdoid tumor predisposition syndrome 2. Last evaluated: 2026-07-06. Review status: criteria provided, single submitter. Criteria: Myriad Autosomal Dominant, Autosomal Recessive and X-Linked Classification Criteria (2023). Collection method: clinical testing. Allele origin: unknown.
Comment: This variant is considered likely benign. This variant is intronic and is not expected to impact mRNA splicing.